The following is an entry in ClinVar:

NM_001252024.2(TRPM1):c.4411G>A (p.Val1471Ile)

Gene: TRPM1 (transient receptor potential cation channel subfamily M member 1; minus strand). Cytogenetic location: 15q13.3.
Variant type: single nucleotide variant.
Coding change: c.4411G>A on transcript NM_001252024.2 (MANE Select); coding-DNA position 4411, G replaced by A.
Protein change: p.Val1471Ile; replaces valine 1471 with isoleucine.
Molecular consequence: missense variant.
Genome position (GRCh38, 1-based): chr15:31,002,289, C>T on the plus strand (G>A on the coding strand, the complement: TRPM1 is on the minus strand). VCF-style: chr15-31002289-C-T. GRCh37 (hg19) VCF-style: chr15-31294492-C-T.
Other names: c.4462G>A, p.Val1488Ile (NM_001252020.2); c.4345G>A, p.Val1449Ile (NM_002420.6); short protein forms V1471I, V1449I, V1488I.
Identifiers: ClinVar variation 2016663 (VCV002016663.4), dbSNP rs1726212151, ClinGen allele CA391524448.

ClinVar aggregate classification (germline): Uncertain significance (1 of 4 stars; one submission).

Allele frequency attached by ClinVar (database versions not stated): gnomAD 0.00001.
gnomAD v4.1: 1 of 1,614,134 alleles (0.000062%); highest among the groups gnomAD compares: African/African-American, 0.0013%; no homozygotes.

Submission:

Labcorp Genetics (formerly Invitae), Labcorp
Classification: Uncertain significance. Last evaluated: 2025-07-07. Review status: criteria provided, single submitter. Criteria: Invitae Variant Classification Sherloc (09022015). Collection method: clinical testing. Allele origin: germline.
Comment: This sequence change replaces valine, which is neutral and non-polar, with isoleucine, which is neutral and non-polar, at codon 1449 of the TRPM1 protein (p.Val1449Ile). This variant is not present in population databases (gnomAD no frequency). This variant has not been reported in the literature in individuals affected with TRPM1-related conditions. ClinVar contains an entry for this variant (Variation ID: 2016663). Invitae Evidence Modeling of protein sequence and biophysical properties (such as structural, functional, and spatial information, amino acid conservation, physicochemical variation, residue mobility, and thermodynamic stability) indicates that this missense variant is not expected to disrupt TRPM1 protein function with a negative predictive value of 95%. In summary, the available evidence is currently insufficient to determine the role of this variant in disease. Therefore, it has been classified as a Variant of Uncertain Significance.